The following is an entry in ClinVar:

NM_058216.3(RAD51C):c.621T>A (p.His207Gln)

Genes: RAD51C (RAD51 paralog C; plus strand), LOC129390903 (MPRA-validated peak2919 silencer; plus strand). Cytogenetic location: 17q22.
Variant type: single nucleotide variant.
Coding change: c.621T>A on transcript NM_058216.3 (MANE Select); coding-DNA position 621, T replaced by A.
Protein change: p.His207Gln; replaces histidine 207 with glutamine.
Molecular consequence: missense variant. On other transcripts: non-coding transcript variant (1).
Genome position (GRCh38, 1-based): chr17:58,703,245, T>A. VCF-style: chr17-58703245-T-A. GRCh37 (hg19) VCF-style: chr17-56780606-T-A.
Other names: short protein forms H207Q.
Identifiers: ClinVar variation 184991 (VCV000184991.34), dbSNP rs786201848, ClinGen allele CA190705.

ClinVar aggregate classification (germline): Conflicting classifications of pathogenicity. Review status: criteria provided, conflicting classifications (1 of 4 stars). 10 submissions from 10 submitters: Uncertain significance (8); Benign (1); Likely benign (1). Last evaluated 2026-01-21.

Conditions:
Breast-ovarian cancer, familial, susceptibility to, 3. Also called: RAD51C-Related Breast/Ovarian Cancer. Identifiers: Orphanet 145, MedGen C3150659, MONDO:0013253, OMIM 613399.
Fanconi anemia complementation group O. Also called: RAD51C-Related Fanconi Anemia. Identifiers: Orphanet 84, MedGen C3150653, MONDO:0013248, OMIM 613390.
Hereditary cancer-predisposing syndrome. Also called: Tumor predisposition; Hereditary Cancer Syndrome; Hereditary neoplastic syndrome; Neoplastic Syndromes, Hereditary. Identifiers: Orphanet 140162, MedGen C0027672, MeSH D009386, MONDO:0015356.

Allele frequency attached by ClinVar (database versions not stated): gnomAD exomes 0.00001.
gnomAD v4.1: 11 of 1,607,912 alleles (0.00068%); highest among the groups gnomAD compares: Non-Finnish European, 0.00094%; no homozygotes.

Submissions (10):

Labcorp Genetics (formerly Invitae), Labcorp
Classification: Uncertain significance for Fanconi anemia complementation group O. Last evaluated: 2026-01-21. Review status: criteria provided, single submitter. Criteria: Invitae Variant Classification Sherloc (09022015). Collection method: clinical testing. Allele origin: germline.
Comment: This sequence change replaces histidine, which is basic and polar, with glutamine, which is neutral and polar, at codon 207 of the RAD51C protein (p.His207Gln). This variant is present in population databases (rs786201848, gnomAD 0.003%). This missense change has been observed in individual(s) with breast and/or ovarian cancer (PMID: 29522266). ClinVar contains an entry for this variant (Variation ID: 184991). Invitae Evidence Modeling of protein sequence and biophysical properties (such as structural, functional, and spatial information, amino acid conservation, physicochemical variation, residue mobility, and thermodynamic stability) indicates that this missense variant is not expected to disrupt RAD51C protein function with a negative predictive value of 80%. Experimental studies have shown that this missense change does not substantially affect RAD51C function (PMID: 37253112). In summary, the available evidence is currently insufficient to determine the role of this variant in disease. Therefore, it has been classified as a Variant of Uncertain Significance.

Ambry Genetics
Classification: Benign for Hereditary cancer-predisposing syndrome. Last evaluated: 2025-10-23. Review status: criteria provided, single submitter. Criteria: Ambry Variant Classification Scheme 2023. Collection method: clinical testing. Allele origin: germline.

Center for Genomic Medicine, Rigshospitalet, Copenhagen University Hospital
Classification: Uncertain significance. Last evaluated: 2025-03-04. Review status: criteria provided, single submitter. Criteria: ACMG Guidelines, 2015. Collection method: clinical testing. Allele origin: germline.

Color Diagnostics, LLC DBA Color Health
Classification: Uncertain significance for Hereditary cancer-predisposing syndrome. Last evaluated: 2025-02-10. Review status: criteria provided, single submitter. Criteria: ACMG Guidelines, 2015. Collection method: clinical testing. Allele origin: germline.
Comment: This missense variant replaces histidine with glutamine at codon 207 of the RAD51C protein. Computational prediction suggests that this variant may not impact protein structure and function. To our knowledge, functional studies have not been reported for this variant. This variant has been reported in 2 individuals affected with breast or ovarian cancer (PMID: 29522266) and in a breast cancer case-control meta-analysis in 3/60463 cases and 1/53461 unaffected individuals (PMID: 33471991; Leiden Open Variation Database DB-ID RAD51C_000154). This variant has been identified in 3/251246 chromosomes in the general population by the Genome Aggregation Database (gnomAD). The available evidence is insufficient to determine the role of this variant in disease conclusively. Therefore, this variant is classified as a Variant of Uncertain Significance.

Department of Clinical Genetics, Copenhagen University Hospital, Rigshospitalet
Classification: Uncertain significance for Hereditary cancer-predisposing syndrome. Last evaluated: 2024-08-06. Review status: criteria provided, single submitter. Criteria: ACMG Guidelines, 2015. Collection method: clinical testing. Allele origin: germline.
Comment: Reported twice (0.001949%) in gnomAD (v.2.1.1 (non-cancer)); BS3 (HDR score 4.9) (PMID: 37253112)

Fulgent Genetics
Classification: Uncertain significance for Fanconi anemia complementation group O; Breast-ovarian cancer, familial, susceptibility to, 3. Last evaluated: 2024-06-17. Review status: criteria provided, single submitter. Criteria: ACMG Guidelines, 2015. Collection method: clinical testing. Allele origin: germline.

Baylor Genetics
Classification: Uncertain significance for Breast-ovarian cancer, familial, susceptibility to, 3. Last evaluated: 2024-03-17. Review status: criteria provided, single submitter. Criteria: ACMG Guidelines, 2015. Collection method: clinical testing. Allele origin: unknown.

GeneDx
Classification: Uncertain significance. Last evaluated: 2023-12-18. Review status: criteria provided, single submitter. Criteria: GeneDx Variant Classification Process June 2021. Collection method: clinical testing. Allele origin: germline. Affected: yes.
Comment: Not observed at significant frequency in large population cohorts (gnomAD); In silico analysis supports that this missense variant does not alter protein structure/function; Observed in individuals with breast cancer, but also in unaffected controls (PMID: 33471991, 29522266); Published functional studies demonstrate homology-directed repair activity similar to wildtype (PMID: 37253112); This variant is associated with the following publications: (PMID: 25085752, 29522266, 14704354, 33471991, 37253112)

Myriad Genetics, Inc.
Classification: Likely benign for Breast-ovarian cancer, familial, susceptibility to, 3. Last evaluated: 2023-03-10. Review status: criteria provided, single submitter. Criteria: Myriad Autosomal Dominant, Autosomal Recessive and X-Linked Classification Criteria (2023). Collection method: clinical testing. Allele origin: unknown.
Comment: This variant is considered likely benign. This variant is strongly associated with less severe personal and family histories of cancer, typical for individuals without pathogenic variants in this gene [PMID: 25085752].

Quest Diagnostics Nichols Institute San Juan Capistrano
Classification: Uncertain significance. Last evaluated: 2019-03-27. Review status: criteria provided, single submitter. Criteria: Quest Diagnostics criteria. Collection method: clinical testing. Allele origin: germline.

Literature cited by the submitters: PubMed 29522266 (cited by 5 submitters); PubMed 37253112 (cited by 3 submitters); PubMed 33471991 (cited by Ambry Genetics and Color Diagnostics, LLC DBA Color Health); PubMed 25085752 (cited by Myriad Genetics, Inc.).